The following is an entry in ClinVar:

ClinVar aggregate classification (germline): Uncertain significance. Review status: criteria provided, multiple submitters, no conflicts (2 of 4 stars). 4 submissions from 4 submitters: Uncertain significance (4). Last evaluated 2025-03-27.

Conditions:
Inborn genetic diseases. Identifiers: MedGen C0950123, MeSH D030342.

Submissions (4):

Revvity Omics, Revvity
Classification: Uncertain significance. Last evaluated: 2025-03-27. Review status: criteria provided, single submitter. Criteria: ACMG Guidelines, 2015. Collection method: clinical testing. Allele origin: germline.

Labcorp Genetics (formerly Invitae), Labcorp
Classification: Uncertain significance. Last evaluated: 2024-04-06. Review status: criteria provided, single submitter. Criteria: Invitae Variant Classification Sherloc (09022015). Collection method: clinical testing. Allele origin: germline.
Comment: This sequence change replaces aspartic acid, which is acidic and polar, with histidine, which is basic and polar, at codon 891 of the FLNB protein (p.Asp891His). This variant is not present in population databases (gnomAD no frequency). This variant has not been reported in the literature in individuals affected with FLNB-related conditions. ClinVar contains an entry for this variant (Variation ID: 1224456). Advanced modeling of protein sequence and biophysical properties (such as structural, functional, and spatial information, amino acid conservation, physicochemical variation, residue mobility, and thermodynamic stability) performed at Invitae indicates that this missense variant is not expected to disrupt FLNB protein function with a negative predictive value of 95%. In summary, the available evidence is currently insufficient to determine the role of this variant in disease. Therefore, it has been classified as a Variant of Uncertain Significance.

Ambry Genetics
Classification: Uncertain significance for Inborn genetic diseases. Last evaluated: 2024-03-18. Review status: criteria provided, single submitter. Criteria: Ambry Variant Classification Scheme 2023. Collection method: clinical testing. Allele origin: germline.

Blueprint Genetics
Classification: Uncertain significance. Last evaluated: 2020-02-11. Review status: criteria provided, single submitter. Criteria: ACMG Guidelines, 2015. Collection method: clinical testing. Allele origin: germline.

NM_001457.4(FLNB):c.2671G>C (p.Asp891His)

Gene: FLNB (filamin B; plus strand). Cytogenetic location: 3p14.3.
Variant type: single nucleotide variant.
Coding change: c.2671G>C on transcript NM_001457.4 (MANE Select); coding-DNA position 2671, G replaced by C.
Protein change: p.Asp891His; replaces aspartic acid 891 with histidine.
Molecular consequence: missense variant.
Genome position (GRCh38, 1-based): chr3:58,112,244, G>C. VCF-style: chr3-58112244-G-C. GRCh37 (hg19) VCF-style: chr3-58097971-G-C.
Other names: c.2671G>C, p.Asp891His (NM_001164317.2, NM_001164318.2, NM_001164319.2); short protein forms D891H.
Identifiers: ClinVar variation 1224456 (VCV001224456.5), dbSNP rs753174160, ClinGen allele CA353345934.
Genomic context (GRCh38, chr3:58,112,244, plus strand): 5'-TACACCAAGGGGGCTGGGAAAGCCCCGCTCAACGTGCAGTTCAACAGCCCTCTTCCTGGC[G>C]ATGCAGTGAAGGATTTGGATATCATCGATAATTATGACTACTCTCACACGGTTAAATATA-3'
Protein context (NP_001448.2, residues 881-901): NVQFNSPLPG[Asp891His]AVKDLDIIDN